The following is an entry in ClinVar:

NM_001114753.3(ENG):c.903_904dup (p.Glu302fs)

Gene: ENG (endoglin; minus strand). Cytogenetic location: 9q34.11.
Variant type: Duplication.
Coding change: c.903_904dup on transcript NM_001114753.3 (MANE Select); coding-DNA positions 903 to 904, 2 bases duplicated (GG; older notation c.903_904dupGG).
Protein change: p.Glu302fs; shifts the reading frame from glutamic acid 302.
Molecular consequence: frameshift variant.
Genome position (GRCh38, 1-based): chr9:127,824,887-127,824,888, CC duplicated on the plus strand (GG on the coding strand, the reverse complement: ENG is on the minus strand); duplicating any 2 consecutive bases within chr9:127,824,887-127,824,891 gives the same sequence; the c. name uses the placement nearest the transcript's 3' end. VCF-style (leftmost placement, unchanged base first): chr9-127824886-T-TCC. GRCh37 (hg19) VCF-style: chr9-130587165-T-TCC.
Other names: c.903_904dup, p.Glu302fs (NM_000118.4, NM_001406715.1); c.357_358dup, p.Glu120fs (NM_001278138.2); c.903_904dupGG (NM_001114753.3); short protein forms E120fs, E302fs.
Identifiers: ClinVar variation 3068695 (VCV003068695.1), dbSNP rs1554810177, ClinGen allele CA2580617564.

ClinVar aggregate classification (germline): Pathogenic (1 of 4 stars; one submission).

Conditions:
Hereditary hemorrhagic telangiectasia (HHT). Also called: Osler hemorrhagic telangiectasia syndrome; ORW DISEASE; Osler Weber Rendu syndrome; OSLER-RENDU-WEBER DISEASE. Identifiers: Orphanet 774, MedGen C0039445, MONDO:0019180. Disease mechanism: loss of function.

Submission:

Molecular Genetics, Royal Melbourne Hospital
Classification: Pathogenic for Hereditary hemorrhagic telangiectasia. Last evaluated: 2024-04-11. Review status: criteria provided, single submitter. Criteria: ACMG Guidelines, 2015. Collection method: clinical testing. Allele origin: germline. Inheritance: Autosomal dominant inheritance. Affected: yes.
Comment: This sequence change in ENG is a frameshift variant predicted to cause a premature stop codon, p.(Glu302Glyfs*58), in biologically relevant exon 8/15 leading to nonsense-mediated decay in a gene in which loss-of-function is an established disease mechanism. This variant is absent from the population database gnomAD v2.1 and v3.1. The variant has been reported in an individual with a clinical diagnosis of hereditary haemorrhagic telangiectasia (Royal Melbourne Hospital). The variant has also been reported in another individual with pulmonary arteriovenous malformations and strokes (PMID: 12673790). Based on the classification scheme RMH Modified ACMG/AMP Guidelines v1.6.1, this variant is classified as PATHOGENIC. Following criteria are met: PVS1, PM2_Supporting, PS4_Supporting

Literature cited by the submitters: PubMed 12673790.